The following is an entry in ClinVar:

ClinVar aggregate classification (germline): Uncertain significance (1 of 4 stars; one submission).

Conditions:
Epilepsy, progressive myoclonic, 1B. Also called: PME. Identifiers: Orphanet 308, MedGen C2676254, MONDO:0012904, OMIM 612437.

Allele frequency attached by ClinVar (database versions not stated): gnomAD exomes 0.00001 and 0.00005; gnomAD 0.00002; ExAC 0.00007; 1000 Genomes Project 0.00040; 1000 Genomes Project 30x 0.00047.
gnomAD v4.1: 25 of 1,614,156 alleles (0.0015%); highest among the groups gnomAD compares: South Asian, 0.023%; no homozygotes.

Submission:

Labcorp Genetics (formerly Invitae), Labcorp
Classification: Uncertain significance for Epilepsy, progressive myoclonic, 1B. Last evaluated: 2025-10-20. Review status: criteria provided, single submitter. Criteria: Invitae Variant Classification Sherloc (09022015). Collection method: clinical testing. Allele origin: germline.
Comment: This sequence change replaces valine, which is neutral and non-polar, with alanine, which is neutral and non-polar, at codon 149 of the PRICKLE1 protein (p.Val149Ala). This variant is present in population databases (rs528557291, gnomAD 0.04%). This variant has not been reported in the literature in individuals affected with PRICKLE1-related conditions. ClinVar contains an entry for this variant (Variation ID: 1436147). Invitae Evidence Modeling of protein sequence and biophysical properties (such as structural, functional, and spatial information, amino acid conservation, physicochemical variation, residue mobility, and thermodynamic stability) indicates that this missense variant is not expected to disrupt PRICKLE1 protein function with a negative predictive value of 80%. In summary, the available evidence is currently insufficient to determine the role of this variant in disease. Therefore, it has been classified as a Variant of Uncertain Significance.

NM_153026.3(PRICKLE1):c.446T>C (p.Val149Ala)

Gene: PRICKLE1 (prickle planar cell polarity protein 1; minus strand). Cytogenetic location: 12q12.
Variant type: single nucleotide variant.
Coding change: c.446T>C on transcript NM_153026.3 (MANE Select); coding-DNA position 446, T replaced by C.
Protein change: p.Val149Ala; replaces valine 149 with alanine.
Molecular consequence: missense variant.
Genome position (GRCh38, 1-based): chr12:42,468,768, A>G on the plus strand (T>C on the coding strand, the complement: PRICKLE1 is on the minus strand). VCF-style: chr12-42468768-A-G. GRCh37 (hg19) VCF-style: chr12-42862570-A-G.
Other names: c.446T>C, p.Val149Ala (NM_001144881.2, NM_001144882.2, NM_001144883.2); short protein forms V149A.
Identifiers: ClinVar variation 1436147 (VCV001436147.5), dbSNP rs528557291, ClinGen allele CA6519906.
Genomic context (GRCh38, chr12:42,468,768, plus strand): 5'-ATGAGGTCGACCAGCAGCTCATTACACGTGAAACAGACAAAACAGGATGGGTGCCAGCAC[A>G]CACCAGGGCCCGCACGGGAGGCGAACACTGCAACTTCACCTCCATTTATCTTCAAACCAC-3'
Protein context (NP_694571.2, residues 139-159): AVFASRAGPG[Val149Ala]CWHPSCFVCF